The following is an entry in ClinVar:

ClinVar aggregate classification (germline): Uncertain significance (1 of 4 stars; one submission).

Conditions:
Charcot-Marie-Tooth disease axonal type 2P. Also called: CHARCOT-MARIE-TOOTH NEUROPATHY, TYPE 2P; CHARCOT-MARIE-TOOTH DISEASE, AXONAL, TYPE 2G; CMT 2G; Charcot-Marie-Tooth Neuropathy Type 2G. Identifiers: Orphanet 300319, Orphanet 99941, MedGen C3280797, MONDO:0013753, OMIM 614436.

Allele frequency attached by ClinVar (database versions not stated): ExAC 0.00001.
gnomAD v4.1: 2 of 1,614,252 alleles (0.00012%); highest among the groups gnomAD compares: Non-Finnish European, 0.00017%; no homozygotes.

Submissions (2):

Labcorp Genetics (formerly Invitae), Labcorp
Classification: Uncertain significance for Charcot-Marie-Tooth disease axonal type 2P. Last evaluated: 2022-07-06. Review status: criteria provided, single submitter. Criteria: Invitae Variant Classification Sherloc (09022015). Collection method: clinical testing. Allele origin: germline.
Comment: This variant has not been reported in the literature in individuals affected with LRSAM1-related conditions. Algorithms developed to predict the effect of missense changes on protein structure and function are either unavailable or do not agree on the potential impact of this missense change (SIFT: "Deleterious"; PolyPhen-2: "Benign"; Align-GVGD: "Class C0"). In summary, the available evidence is currently insufficient to determine the role of this variant in disease. Therefore, it has been classified as a Variant of Uncertain Significance. This sequence change replaces aspartic acid, which is acidic and polar, with glycine, which is neutral and non-polar, at codon 236 of the LRSAM1 protein (p.Asp236Gly). This variant is present in population databases (rs770711645, gnomAD 0.0009%).

Dr. Peter K. Rogan Lab, Western University
No classification provided (evidence only). Condition: Malignant tumor of urinary bladder. Review status: no classification provided. Collection method: in vitro. Allele origin: not applicable. Functional consequence: retained intron. Not counted in ClinVar's aggregate classification.

NM_001005373.4(LRSAM1):c.707A>G (p.Asp236Gly)

Gene: LRSAM1 (leucine rich repeat and sterile alpha motif containing 1; plus strand). Cytogenetic location: 9q33.3.
Variant type: single nucleotide variant.
Coding change: c.707A>G on transcript NM_001005373.4 (MANE Select); coding-DNA position 707, A replaced by G.
Protein change: p.Asp236Gly; replaces aspartic acid 236 with glycine.
Molecular consequence: missense variant. On other transcripts: 5 prime UTR variant (1), non-coding transcript variant (2).
Genome position (GRCh38, 1-based): chr9:127,473,888, A>G. VCF-style: chr9-127473888-A-G. GRCh37 (hg19) VCF-style: chr9-130236167-A-G.
Other names: c.707A>G, p.Asp236Gly (NM_001005374.4, NM_001190723.3, NM_001384142.1 and 2 more transcripts); c.-78A>G (NM_001384144.1); short protein forms D236G.
Identifiers: ClinVar variation 1922758 (VCV001922758.6), dbSNP rs770711645, ClinGen allele CA5246656.
Genomic context (GRCh38, chr9:127,473,888, plus strand): 5'-CTCAGTACTTGCTGCCAATTCTGGAGCAAGATGGAATCGAGAACTCTCGGGACAGCCCTG[A>G]TGGGCCCACGGACAGATTCTCAAGGGAGGAGTTAGAGTGGCAGGTAAGACAAGGCAGCCT-3'
Protein context (NP_001005373.1, residues 226-246): DGIENSRDSP[Asp236Gly]GPTDRFSREE